The following is an entry in ClinVar:

NM_001378615.1(CC2D2A):c.3588del (p.Ala1197fs)

Genes: CC2D2A (coiled-coil and C2 domain containing 2A; plus strand), FBXL5 (F-box and leucine rich repeat protein 5; minus strand). Cytogenetic location: 4p15.32.
Variant type: Deletion.
Coding change: c.3588del on transcript NM_001378615.1 (MANE Select); coding-DNA position 3588, one base deleted (A; older notation c.3588delA).
Protein change: p.Ala1197fs; shifts the reading frame from alanine 1197.
Molecular consequence: frameshift variant.
Genome position (GRCh38, 1-based): chr4:15,570,490, A deleted; the last of 2 consecutive A bases (chr4:15,570,489-15,570,490); deleting either gives the same sequence. VCF-style (leftmost placement, unchanged base first): chr4-15570488-CA-C. GRCh37 (hg19) VCF-style: chr4-15572111-CA-C.
Other names: c.3588del, p.Ala1197fs (NM_001080522.2); c.3441del, p.Ala1148fs (NM_001378617.1); short protein forms A1197fs, A1148fs.
Identifiers: ClinVar variation 631939 (VCV000631939.17), dbSNP rs982352950, ClinGen allele CA92517286.

ClinVar aggregate classification (germline): Pathogenic/Likely pathogenic. Review status: criteria provided, multiple submitters, no conflicts (2 of 4 stars). 6 submissions from 6 submitters: Pathogenic (3); Likely pathogenic (3). Last evaluated 2026-06-30.

Conditions:
Joubert syndrome. Also called: JOUBERT-BOLTSHAUSER SYNDROME; Familial aplasia of the vermis. Identifiers: Orphanet 475, MedGen C5979921, MONDO:0018772.
Meckel-Gruber syndrome. Also called: Dysencephalia splachnocystica; DYSENCEPHALIA SPLANCHNOCYSTICA; GRUBER SYNDROME. Identifiers: Orphanet 564, MedGen C0265215, MONDO:0018921.
Joubert syndrome 9 (JBTS9). Identifiers: Orphanet 2318, MedGen C2676788, MONDO:0012849, OMIM 612285.
Meckel syndrome, type 6. Identifiers: Orphanet 564, MedGen C2676790, MONDO:0012848, OMIM 612284.
Retinitis pigmentosa 93. Identifiers: MedGen C5676970, MONDO:0030797, OMIM 619845.
COACH syndrome 2. Identifiers: MedGen C5436837, MONDO:0030859, OMIM 619111.
CC2D2A-related disorder. Also called: CC2D2A-related disorders; CC2D2A-related condition. Identifiers: MedGen CN239313.
Joubert syndrome and related disorders. Identifiers: Orphanet 140874, MedGen C5679612, MONDO:0015369.

Submissions (6):

PreventionGenetics, part of Exact Sciences
Classification: Likely pathogenic for CC2D2A-related condition. Last evaluated: 2026-06-30. Review status: criteria provided, single submitter. Criteria: ACMG Guidelines, 2015. Collection method: clinical testing. Allele origin: germline.
Comment: The CC2D2A c.3588delA variant is predicted to result in a frameshift and premature protein termination (p.Ala1197Glnfs*9). To our knowledge, this variant has not been reported in the literature. This variant is reported in 0.00094% of alleles in individuals of European (Non-Finnish) descent in gnomAD. Frameshift variants in CC2D2A are expected to be pathogenic. This variant is interpreted as likely pathogenic.

GeneDx
Classification: Pathogenic. Last evaluated: 2025-02-06. Review status: criteria provided, single submitter. Criteria: GeneDx Variant Classification Process June 2021. Collection method: clinical testing. Allele origin: germline. Affected: yes.
Comment: Frameshift variant predicted to result in protein truncation or nonsense mediated decay in a gene for which loss of function is a known mechanism of disease; Not observed at significant frequency in large population cohorts (gnomAD); Has not been previously published as pathogenic or benign to our knowledge

Labcorp Genetics (formerly Invitae), Labcorp
Classification: Pathogenic for Joubert syndrome; Meckel-Gruber syndrome. Last evaluated: 2024-10-06. Review status: criteria provided, single submitter. Criteria: Invitae Variant Classification Sherloc (09022015). Collection method: clinical testing. Allele origin: germline.
Comment: This sequence change creates a premature translational stop signal (p.Ala1197Glnfs*9) in the CC2D2A gene. It is expected to result in an absent or disrupted protein product. Loss-of-function variants in CC2D2A are known to be pathogenic (PMID: 19777577). The frequency data for this variant in the population databases is considered unreliable, as metrics indicate poor data quality at this position in the gnomAD database. This variant has not been reported in the literature in individuals affected with CC2D2A-related conditions. ClinVar contains an entry for this variant (Variation ID: 631939). For these reasons, this variant has been classified as Pathogenic.

Fulgent Genetics
Classification: Likely pathogenic for Meckel syndrome, type 6; Joubert syndrome 9; COACH syndrome 2; Retinitis pigmentosa 93. Last evaluated: 2024-05-31. Review status: criteria provided, single submitter. Criteria: ACMG Guidelines, 2015. Collection method: clinical testing. Allele origin: germline.

Myriad Genetics, Inc.
Classification: Pathogenic for Joubert syndrome and related disorders. Last evaluated: 2024-02-26. Review status: criteria provided, single submitter. Criteria: Myriad Autosomal Dominant, Autosomal Recessive and X-Linked Classification Criteria (2023). Collection method: clinical testing. Allele origin: unknown.
Comment: NM_001080522.2(CC2D2A):c.3588delA(A1197Qfs*9) is expected to be pathogenic in the context of CC2D2A-related disorders. This variant is predicted to lead to an abnormal or absent protein product due to the creation of a premature termination codon in CC2D2A, a gene where loss-of-function variants are known to be pathogenic. Please note: this variant was assessed in the context of healthy population screening.

Blueprint Genetics
Classification: Likely pathogenic for CC2D2A-related disorders. Last evaluated: 2022-05-25. Review status: criteria provided, single submitter. Criteria: ACMG Guidelines, 2015. Collection method: clinical testing. Allele origin: germline. Affected: yes. Observed: 1 variant allele.

Literature cited by the submitters: PubMed 19777577 (cited by Labcorp Genetics (formerly Invitae), Labcorp).